The following is an entry in ClinVar:

NM_014858.4(TMCC2):c.402C>A (p.Tyr134Ter)

Gene: TMCC2 (transmembrane and coiled-coil domain family 2; plus strand). Cytogenetic location: 1q32.1.
Variant type: single nucleotide variant.
Coding change: c.402C>A on transcript NM_014858.4 (MANE Select); coding-DNA position 402, C replaced by A.
Protein change: p.Tyr134Ter; replaces tyrosine 134 with a stop codon.
Molecular consequence: nonsense.
Genome position (GRCh38, 1-based): chr1:205,241,699, C>A. VCF-style: chr1-205241699-C-A. GRCh37 (hg19) VCF-style: chr1-205210827-C-A.
Other names: c.168C>A, p.Tyr56Ter (NM_001242925.2, NM_001375651.1, NM_001375652.1); short protein forms Y134*, Y56*.
Identifiers: ClinVar variation 488946 (VCV000488946.2), dbSNP rs77588763, ClinGen allele CA344412246.

ClinVar aggregate classification (germline): Uncertain significance (1 of 4 stars; one submission).

gnomAD v4.1: 1 of 1,613,710 alleles (0.000062%); highest among the groups gnomAD compares: Non-Finnish European, 0.000085%; no homozygotes.

Submission:

GeneDx
Classification: Uncertain significance. Last evaluated: 2016-10-13. Review status: criteria provided, single submitter. Criteria: GeneDx Variant Classification (06012015). Collection method: clinical testing. Allele origin: germline. Affected: yes.
Comment: The Y134X variant in the TMCC2 gene has not been reported previously as a pathogenic variant nor as a benign variant, to our knowledge. This variant is predicted to cause loss of normal protein function either through protein truncation or nonsense-mediated mRNA decay. The Y134X variant was not observed in approximately 6,500 individuals of European and African American ancestry in the NHLBI Exome Sequencing Project, indicating it is not a common benign variant in these populations. We interpret Y134X as a variant of uncertain significance.